The following is an entry in ClinVar:

ClinVar aggregate classification (germline): Uncertain significance. Review status: criteria provided, multiple submitters, no conflicts (2 of 4 stars). 3 submissions from 3 submitters: Uncertain significance (3). Last evaluated 2025-09-05.

Conditions:
Familial hypercholesterolemia. Also called: Familial hypercholesterolaemia. Identifiers: MedGen C0020445, MONDO:0005439.
Cardiovascular phenotype. Identifiers: MedGen CN230736.

Allele frequency attached by ClinVar (database versions not stated): gnomAD exomes below 0.00001 and 0.00002; gnomAD 0.00001.
gnomAD v4.1: 27 of 1,611,992 alleles (0.0017%); highest among the groups gnomAD compares: Middle Eastern, 0.022%; no homozygotes.

Submissions (3):

Ambry Genetics
Classification: Uncertain significance for Cardiovascular phenotype. Last evaluated: 2025-09-05. Review status: criteria provided, single submitter. Criteria: Ambry Variant Classification Scheme 2023. Collection method: clinical testing. Allele origin: germline.

Women's Health and Genetics/Laboratory Corporation of America, LabCorp
Classification: Uncertain significance. Last evaluated: 2025-04-15. Review status: criteria provided, single submitter. Criteria: LabCorp Variant Classification Summary - May 2015. Collection method: clinical testing. Allele origin: germline.
Comment: Variant summary: PCSK9 c.1406G>A (p.Arg469Gln) results in a conservative amino acid change in the encoded protein sequence. Five of five in-silico tools predict a benign effect of the variant on protein function. The variant allele was found at a frequency of 4e-06 in 251350 control chromosomes (gnomAD). The available data on variant occurrences in the general population are insufficient to allow any conclusion about variant significance. To our knowledge, no occurrence of c.1406G>A in individuals affected with Familial Hypercholesterolemia and no experimental evidence demonstrating its impact on protein function have been reported. ClinVar contains an entry for this variant (Variation ID: 923871). Based on the evidence outlined above, the variant was classified as uncertain significance.

Color Diagnostics, LLC DBA Color Health
Classification: Uncertain significance for Familial hypercholesterolemia. Last evaluated: 2023-12-05. Review status: criteria provided, single submitter. Criteria: ACMG Guidelines, 2015. Collection method: clinical testing. Allele origin: germline.
Comment: This missense variant replaces arginine with glutamine at codon 469 of the PCSK9 protein. Computational prediction tools and conservation analyses are inconclusive regarding the impact of this variant on the protein function. Computational splicing tools suggest that this variant may not impact RNA splicing. To our knowledge, functional assays have not been performed for this variant nor has this variant been reported in individuals affected with familial hypercholesterolemia in the literature. This variant has been identified in 1/251350 chromosomes in the general population by the Genome Aggregation Database (gnomAD). Available evidence is insufficient to determine the role of this variant in disease conclusively. Therefore, this variant is classified as a Variant of Uncertain Significance.

NM_174936.4(PCSK9):c.1406G>A (p.Arg469Gln)

Gene: PCSK9 (proprotein convertase subtilisin/kexin type 9; plus strand). Cytogenetic location: 1p32.3.
Variant type: single nucleotide variant.
Coding change: c.1406G>A on transcript NM_174936.4 (MANE Select); coding-DNA position 1406, G replaced by A.
Protein change: p.Arg469Gln; replaces arginine 469 with glutamine.
Molecular consequence: missense variant.
Genome position (GRCh38, 1-based): chr1:55,058,550, G>A. VCF-style: chr1-55058550-G-A. GRCh37 (hg19) VCF-style: chr1-55524223-G-A.
Other names: c.1529G>A, p.Arg510Gln (NM_001407240.1); c.1406G>A, p.Arg469Gln (NM_001407241.1); c.1409G>A, p.Arg470Gln (NM_001407242.1); c.1349G>A, p.Arg450Gln (NM_001407243.1); c.1232G>A, p.Arg411Gln (NM_001407244.1); c.1214G>A, p.Arg405Gln (NM_001407245.1); c.1031G>A, p.Arg344Gln (NM_001407246.1); short protein forms R469Q, R510Q, R405Q, R411Q, R450Q, R470Q, R344Q.
Identifiers: ClinVar variation 923871 (VCV000923871.11), dbSNP rs1340689002, ClinGen allele CA340478828.
Genomic context (GRCh38, chr1:55,058,550, plus strand): 5'-TTTTTGCAGGTTGGCAGCTGTTTTGCAGGACTGTATGGTCAGCACACTCGGGGCCTACAC[G>A]GATGGCCACAGCCGTCGCCCGCTGCGCCCCAGATGAGGAGCTGCTGAGCTGCTCCAGTTT-3'
Protein context (NP_777596.2, residues 459-479): TVWSAHSGPT[Arg469Gln]MATAVARCAP